The following is an entry in ClinVar:

ClinVar aggregate classification (germline): Uncertain significance (1 of 4 stars; one submission).

gnomAD v4.1: 3 of 1,612,348 alleles (0.00019%); highest among the groups gnomAD compares: Non-Finnish European, 0.00025%; no homozygotes.

Submission:

Labcorp Genetics (formerly Invitae), Labcorp
Classification: Uncertain significance. Last evaluated: 2024-09-29. Review status: criteria provided, single submitter. Criteria: Invitae Variant Classification Sherloc (09022015). Collection method: clinical testing. Allele origin: germline.
Comment: This sequence change replaces threonine, which is neutral and polar, with lysine, which is basic and polar, at codon 216 of the RASA2 protein (p.Thr216Lys). This variant is present in population databases (rs770004299, gnomAD 0.002%). This variant has not been reported in the literature in individuals affected with RASA2-related conditions. Invitae Evidence Modeling of protein sequence and biophysical properties (such as structural, functional, and spatial information, amino acid conservation, physicochemical variation, residue mobility, and thermodynamic stability) indicates that this missense variant is expected to disrupt RASA2 protein function with a positive predictive value of 80%. In summary, the available evidence is currently insufficient to determine the role of this variant in disease. Therefore, it has been classified as a Variant of Uncertain Significance.

NM_006506.5(RASA2):c.647C>A (p.Thr216Lys)

Gene: RASA2 (RAS p21 protein activator 2; plus strand). Cytogenetic location: 3q23.
Variant type: single nucleotide variant.
Coding change: c.647C>A on transcript NM_006506.5 (MANE Select); coding-DNA position 647, C replaced by A.
Protein change: p.Thr216Lys; replaces threonine 216 with lysine.
Molecular consequence: missense variant.
Genome position (GRCh38, 1-based): chr3:141,555,875, C>A. VCF-style: chr3-141555875-C-A. GRCh37 (hg19) VCF-style: chr3-141274717-C-A.
Other names: c.647C>A, p.Thr216Lys (NM_001303245.3, NM_001303246.3); short protein forms T216K.
Identifiers: ClinVar variation 3685185 (VCV003685185.2).